The following is an entry in ClinVar:

ClinVar aggregate classification (germline): Uncertain significance. Review status: criteria provided, multiple submitters, no conflicts (2 of 4 stars). 2 submissions from 2 submitters: Uncertain significance (2). Last evaluated 2025-02-26.

Submissions (2):

GeneDx
Classification: Uncertain significance. Last evaluated: 2025-02-26. Review status: criteria provided, single submitter. Criteria: GeneDx Variant Classification Process June 2021. Collection method: clinical testing. Allele origin: germline. Affected: yes.
Comment: Frameshift variant predicted to result in protein truncation or nonsense mediated decay in a gene for which loss of function is a known mechanism of disease; Has not been previously published as pathogenic or benign to our knowledge

Labcorp Genetics (formerly Invitae), Labcorp
Classification: Uncertain significance. Last evaluated: 2024-11-05. Review status: criteria provided, single submitter. Criteria: Invitae Variant Classification Sherloc (09022015). Collection method: clinical testing. Allele origin: germline.
Comment: This sequence change creates a premature translational stop signal (p.Ile99Glnfs*3) in the IFT52 gene. It is expected to result in an absent or disrupted protein product. However, the current clinical and genetic evidence is not sufficient to establish whether loss-of-function variants in IFT52 cause disease. This variant is present in population databases (rs765845001, gnomAD 0.009%). This variant has not been reported in the literature in individuals affected with IFT52-related conditions. ClinVar contains an entry for this variant (Variation ID: 1927431). In summary, the available evidence is currently insufficient to determine the role of this variant in disease. Therefore, it has been classified as a Variant of Uncertain Significance.

NM_016004.5(IFT52):c.290_293dup (p.Ile99fs)

Gene: IFT52 (intraflagellar transport 52; plus strand). Cytogenetic location: 20q13.12.
Variant type: Duplication.
Coding change: c.290_293dup on transcript NM_016004.5 (MANE Select); coding-DNA positions 290 to 293, 4 bases duplicated (CCAA; older notation c.290_293dupCCAA).
Protein change: p.Ile99fs; shifts the reading frame from isoleucine 99.
Molecular consequence: frameshift variant. On other transcripts: 5 prime UTR variant (4).
Genome position (GRCh38, 1-based): chr20:43,603,842-43,603,845, CCAA duplicated; duplicating any 4 consecutive bases within chr20:43,603,841-43,603,845 gives the same sequence; the c. name uses the placement nearest the transcript's 3' end. VCF-style (leftmost placement, unchanged base first): chr20-43603840-C-CACCA. GRCh37 (hg19) VCF-style: chr20-42232480-C-CACCA.
Other names: c.290_293dup (NM_001303458.1); c.290_293dup, p.Ile99fs (NM_001303458.3, NM_001303459.3); c.-382_-379dup (NM_001323578.2, NM_001323580.2); c.-475_-472dup (NM_001323579.2, NM_001323581.2); short protein forms I99fs.
Identifiers: ClinVar variation 1927431 (VCV001927431.7), dbSNP rs765845001, ClinGen allele CA9866815.
Genomic context (GRCh38, chr20:43,603,840, plus strand): 5'-TCTTGACACTGGTGGAGATGTCTTTGTGATGCTAGGAGAAGGTGGAGAATCCAGATTTGA[C>CACCA]ACCAATATTAACTTTTTACTAGAAGAATATGGAATCATGGTTAATAATGGTAATTAGTAT-3'